The following is an entry in ClinVar:

ClinVar aggregate classification (germline): Uncertain significance (1 of 4 stars; one submission).

Conditions:
Hereditary spastic paraplegia 75. Also called: Spastic paraplegia 75, autosomal recessive. Identifiers: Orphanet 459056, MedGen C4225250, MONDO:0014729, OMIM 616680.

Allele frequency attached by ClinVar (database versions not stated): gnomAD 0.00001.
gnomAD v4.1: 16 of 1,613,588 alleles (0.00099%); highest among the groups gnomAD compares: East Asian, 0.025%; no homozygotes.

Submission:

Labcorp Genetics (formerly Invitae), Labcorp
Classification: Uncertain significance for Hereditary spastic paraplegia 75. Last evaluated: 2021-09-02. Review status: criteria provided, single submitter. Criteria: Invitae Variant Classification Sherloc (09022015). Collection method: clinical testing. Allele origin: germline.
Comment: This sequence change replaces alanine with threonine at codon 53 of the MAG protein (p.Ala53Thr). The alanine residue is moderately conserved and there is a small physicochemical difference between alanine and threonine. This variant is present in population databases (rs759758253, ExAC 0.01%). This variant has not been reported in the literature in individuals affected with MAG-related conditions. Algorithms developed to predict the effect of missense changes on protein structure and function (SIFT, PolyPhen-2, Align-GVGD) all suggest that this variant is likely to be tolerated. In summary, the available evidence is currently insufficient to determine the role of this variant in disease. Therefore, it has been classified as a Variant of Uncertain Significance.

NM_002361.4(MAG):c.157G>A (p.Ala53Thr)

Gene: MAG (myelin associated glycoprotein; plus strand). Cytogenetic location: 19q13.12.
Variant type: single nucleotide variant.
Coding change: c.157G>A on transcript NM_002361.4 (MANE Select); coding-DNA position 157, G replaced by A.
Protein change: p.Ala53Thr; replaces alanine 53 with threonine.
Molecular consequence: missense variant.
Genome position (GRCh38, 1-based): chr19:35,295,723, G>A. VCF-style: chr19-35295723-G-A. GRCh37 (hg19) VCF-style: chr19-35786626-G-A.
Other names: c.82G>A, p.Ala28Thr (NM_001199216.2); c.157G>A, p.Ala53Thr (NM_080600.3); short protein forms A28T, A53T.
Identifiers: ClinVar variation 1357205 (VCV001357205.5), dbSNP rs759758253, ClinGen allele CA9375942.